The following is an entry in ClinVar:

NM_198578.4(LRRK2):c.3671A>G (p.Glu1224Gly)

Gene: LRRK2 (leucine rich repeat kinase 2; plus strand). Cytogenetic location: 12q12.
Variant type: single nucleotide variant.
Coding change: c.3671A>G on transcript NM_198578.4 (MANE Select); coding-DNA position 3671, A replaced by G.
Protein change: p.Glu1224Gly; replaces glutamic acid 1224 with glycine.
Molecular consequence: missense variant.
Genome position (GRCh38, 1-based): chr12:40,304,028, A>G. VCF-style: chr12-40304028-A-G. GRCh37 (hg19) VCF-style: chr12-40697830-A-G.
Other names: short protein forms E1224G.
Identifiers: ClinVar variation 3229623 (VCV003229623.1), dbSNP rs2499781415, ClinGen allele CA384416696.

ClinVar aggregate classification (germline): Uncertain significance (1 of 4 stars; one submission).

Conditions:
Inborn genetic diseases. Identifiers: MedGen C0950123, MeSH D030342.

Submission:

Ambry Genetics
Classification: Uncertain significance for Inborn genetic diseases. Last evaluated: 2024-02-16. Review status: criteria provided, single submitter. Criteria: Ambry Variant Classification Scheme 2023. Collection method: clinical testing. Allele origin: germline.
Comment: The p.E1224G variant (also known as c.3671A>G), located in coding exon 27 of the LRRK2 gene, results from an A to G substitution at nucleotide position 3671. The glutamic acid at codon 1224 is replaced by glycine, an amino acid with similar properties. This amino acid position is conserved. In addition, the in silico prediction for this alteration is inconclusive. Based on the available evidence, the clinical significance of this alteration remains unclear.